The following is an entry in ClinVar:

ClinVar aggregate classification (germline): Uncertain significance (1 of 4 stars; one submission).

Submission:

Ambry Genetics
Classification: Uncertain significance. Last evaluated: 2023-05-19. Review status: criteria provided, single submitter. Criteria: Ambry Variant Classification Scheme 2023. Collection method: clinical testing. Allele origin: germline.
Comment: The p.K826Q variant (also known as c.2476A>C), located in coding exon 23 of the RASA2 gene, results from an A to C substitution at nucleotide position 2476. The lysine at codon 826 is replaced by glutamine, an amino acid with similar properties. This amino acid position is conserved. In addition, this alteration is predicted to be tolerated by in silico analysis. Since supporting evidence is limited at this time, the clinical significance of this alteration remains unclear.

NM_006506.5(RASA2):c.2476A>C (p.Lys826Gln)

Gene: RASA2 (RAS p21 protein activator 2; plus strand). Cytogenetic location: 3q23.
Variant type: single nucleotide variant.
Coding change: c.2476A>C on transcript NM_006506.5 (MANE Select); coding-DNA position 2476, A replaced by C.
Protein change: p.Lys826Gln; replaces lysine 826 with glutamine.
Molecular consequence: missense variant.
Genome position (GRCh38, 1-based): chr3:141,610,023, A>C. VCF-style: chr3-141610023-A-C. GRCh37 (hg19) VCF-style: chr3-141328865-A-C.
Other names: c.2479A>C, p.Lys827Gln (NM_001303245.3); c.2488A>C, p.Lys830Gln (NM_001303246.3); short protein forms K826Q, K827Q, K830Q.
Identifiers: ClinVar variation 2562699 (VCV002562699.2), dbSNP rs2478880766, ClinGen allele CA354777931.